The following is an entry in ClinVar:

ClinVar aggregate classification (germline): Uncertain significance (1 of 4 stars; one submission).

Allele frequency attached by ClinVar (database versions not stated): ExAC 0.00001; gnomAD exomes 0.00001; TOPMed 0.00001; gnomAD 0.00002.
gnomAD v4.1: 10 of 1,613,818 alleles (0.00062%); highest among the groups gnomAD compares: Admixed American, 0.0017%; no homozygotes.

Submission:

Labcorp Genetics (formerly Invitae), Labcorp
Classification: Uncertain significance. Last evaluated: 2023-11-18. Review status: criteria provided, single submitter. Criteria: Invitae Variant Classification Sherloc (09022015). Collection method: clinical testing. Allele origin: germline.
Comment: This sequence change replaces valine, which is neutral and non-polar, with isoleucine, which is neutral and non-polar, at codon 162 of the CACNA1E protein (p.Val162Ile). This variant is present in population databases (rs757554194, gnomAD 0.002%). This variant has not been reported in the literature in individuals affected with CACNA1E-related conditions. ClinVar contains an entry for this variant (Variation ID: 2164979). Advanced modeling of protein sequence and biophysical properties (such as structural, functional, and spatial information, amino acid conservation, physicochemical variation, residue mobility, and thermodynamic stability) has been performed at Invitae for this missense variant, however the output from this modeling did not meet the statistical confidence thresholds required to predict the impact of this variant on CACNA1E protein function. In summary, the available evidence is currently insufficient to determine the role of this variant in disease. Therefore, it has been classified as a Variant of Uncertain Significance.

NM_001205293.3(CACNA1E):c.484G>A (p.Val162Ile)

Gene: CACNA1E (calcium voltage-gated channel subunit alpha1 E; plus strand). Cytogenetic location: 1q25.3.
Variant type: single nucleotide variant.
Coding change: c.484G>A on transcript NM_001205293.3 (MANE Select); coding-DNA position 484, G replaced by A.
Protein change: p.Val162Ile; replaces valine 162 with isoleucine.
Molecular consequence: missense variant.
Genome position (GRCh38, 1-based): chr1:181,511,482, G>A. VCF-style: chr1-181511482-G-A. GRCh37 (hg19) VCF-style: chr1-181480618-G-A.
Other names: c.484G>A, p.Val162Ile (NM_000721.4, NM_001205294.2); short protein forms V162I.
Identifiers: ClinVar variation 2164979 (VCV002164979.4), dbSNP rs757554194, ClinGen allele CA1274901.